The following is an entry in ClinVar:

NM_002234.4(KCNA5):c.260G>A (p.Arg87Gln)

Gene: KCNA5 (potassium voltage-gated channel subfamily A member 5; plus strand). Cytogenetic location: 12p13.32.
Variant type: single nucleotide variant.
Coding change: c.260G>A on transcript NM_002234.4 (MANE Select); coding-DNA position 260, G replaced by A.
Protein change: p.Arg87Gln; replaces arginine 87 with glutamine.
Molecular consequence: missense variant.
Genome position (GRCh38, 1-based): chr12:5,044,407, G>A. VCF-style: chr12-5044407-G-A. GRCh37 (hg19) VCF-style: chr12-5153573-G-A.
Other names: short protein forms R87Q.
Identifiers: ClinVar variation 565628 (VCV000565628.16), dbSNP rs71537801, ClinGen allele CA6399579.
Genomic context (GRCh38, chr12:5,044,407, plus strand): 5'-TGCCTCCGCTGCCGGACCCGGGAGTGCGGCCCTTGCCTCCGCTGCCAGAGGAGCTGCCAC[G>A]GCCTCGACGGCCGCCTCCCGAGGACGAGGAGGAAGAAGGCGATCCCGGCCTGGGCACGGT-3'
Protein context (NP_002225.2, residues 77-97): PLPPLPEELP[Arg87Gln]PRRPPPEDEE

ClinVar aggregate classification (germline): Conflicting classifications of pathogenicity. Review status: criteria provided, conflicting classifications (1 of 4 stars). 4 submissions from 4 submitters: Uncertain significance (3); Likely benign (1). Last evaluated 2026-01-21.

Conditions:
Atrial fibrillation, familial, 7 (ATFB7). Identifiers: MedGen C2677106, MONDO:0012828, OMIM 612240.

Allele frequency attached by ClinVar (database versions not stated): TOPMed 0.00018; 1000 Genomes Project 0.00020; gnomAD 0.00029; gnomAD exomes 0.00033; ESP Exome Variant Server 0.00039; 1000 Genomes Project 30x 0.00047; ExAC 0.00059.
gnomAD v4.1: 370 of 1,594,464 alleles (0.023%); highest among the groups gnomAD compares: Middle Eastern, 0.1%; no homozygotes.

Submissions (4):

Labcorp Genetics (formerly Invitae), Labcorp
Classification: Uncertain significance for Atrial fibrillation, familial, 7. Last evaluated: 2026-01-21. Review status: criteria provided, single submitter. Criteria: Invitae Variant Classification Sherloc (09022015). Collection method: clinical testing. Allele origin: germline.
Comment: This sequence change replaces arginine, which is basic and polar, with glutamine, which is neutral and polar, at codon 87 of the KCNA5 protein (p.Arg87Gln). This variant is present in population databases (rs71537801, gnomAD 0.05%), and has an allele count higher than expected for a pathogenic variant. This missense change has been observed in individual(s) with atrial fibrillation and Brugada syndrome (PMID: 18209767, 26220970). ClinVar contains an entry for this variant (Variation ID: 565628). An algorithm developed to predict the effect of missense changes on protein structure and function outputs the following: PolyPhen-2: "Benign". The glutamine amino acid residue is found in multiple mammalian species, which suggests that this missense change does not adversely affect protein function. Experimental studies have shown that this missense change affects KCNA5 function (PMID: 16411137). In summary, the available evidence is currently insufficient to determine the role of this variant in disease. Therefore, it has been classified as a Variant of Uncertain Significance.

GeneDx
Classification: Uncertain significance. Last evaluated: 2025-06-27. Review status: criteria provided, single submitter. Criteria: GeneDx Variant Classification Process June 2021. Collection method: clinical testing. Allele origin: germline. Affected: yes.
Comment: In vitro functional studies in CHO cells suggest the p.(R87Q) variant may impact channel function, however, it is not reproduced when expressed in the HEK 293 cells; however, additional studies are needed to clarify the functional effect of this variant in vivo (PMID: 16411137); In silico analysis suggests that this missense variant does not alter protein structure/function; This variant is associated with the following publications: (PMID: 26220970, 24068186, 18209767, 16411137)

Blueprint Genetics
Classification: Likely benign. Last evaluated: 2024-11-27. Review status: criteria provided, single submitter. Criteria: ACMG Guidelines, 2015. Collection method: clinical testing. Allele origin: germline.

Fulgent Genetics
Classification: Uncertain significance for Atrial fibrillation, familial, 7. Last evaluated: 2021-08-20. Review status: criteria provided, single submitter. Criteria: ACMG Guidelines, 2015. Collection method: clinical testing. Allele origin: unknown.

Literature cited by the submitters: PubMed 18209767 (cited by Labcorp Genetics (formerly Invitae), Labcorp); PubMed 26220970 (cited by Labcorp Genetics (formerly Invitae), Labcorp); PubMed 16411137 (cited by Labcorp Genetics (formerly Invitae), Labcorp).